The following is an entry in ClinVar:

ClinVar aggregate classification (germline): Uncertain significance (1 of 4 stars; one submission).

gnomAD v4.1: 1 of 1,613,464 alleles (0.000062%); no homozygotes.

Submission:

Labcorp Genetics (formerly Invitae), Labcorp
Classification: Uncertain significance. Last evaluated: 2022-07-12. Review status: criteria provided, single submitter. Criteria: Invitae Variant Classification Sherloc (09022015). Collection method: clinical testing. Allele origin: germline.
Comment: This variant has not been reported in the literature in individuals affected with PLOD3-related conditions. This sequence change replaces histidine, which is basic and polar, with arginine, which is basic and polar, at codon 214 of the PLOD3 protein (p.His214Arg). This variant is not present in population databases (gnomAD no frequency). ClinVar contains an entry for this variant (Variation ID: 1395299). Algorithms developed to predict the effect of missense changes on protein structure and function are either unavailable or do not agree on the potential impact of this missense change (SIFT: "Tolerated"; PolyPhen-2: "Possibly Damaging"; Align-GVGD: "Class C0"). Algorithms developed to predict the effect of sequence changes on RNA splicing suggest that this variant may create or strengthen a splice site. In summary, the available evidence is currently insufficient to determine the role of this variant in disease. Therefore, it has been classified as a Variant of Uncertain Significance.

NM_001084.5(PLOD3):c.641A>G (p.His214Arg)

Gene: PLOD3 (procollagen-lysine,2-oxoglutarate 5-dioxygenase 3; minus strand). Cytogenetic location: 7q22.1.
Variant type: single nucleotide variant.
Coding change: c.641A>G on transcript NM_001084.5 (MANE Select); coding-DNA position 641, A replaced by G.
Protein change: p.His214Arg; replaces histidine 214 with arginine.
Molecular consequence: missense variant.
Genome position (GRCh38, 1-based): chr7:101,215,127, T>C on the plus strand (A>G on the coding strand, the complement: PLOD3 is on the minus strand). VCF-style: chr7-101215127-T-C. GRCh37 (hg19) VCF-style: chr7-100858408-T-C.
Other names: short protein forms H214R.
Identifiers: ClinVar variation 1395299 (VCV001395299.6), dbSNP rs140075236, ClinGen allele CA368623855.